The following is an entry in ClinVar:

NM_022489.4(INF2):c.607G>A (p.Ala203Thr)

Gene: INF2 (inverted formin 2; plus strand). Cytogenetic location: 14q32.33.
Variant type: single nucleotide variant.
Coding change: c.607G>A on transcript NM_022489.4 (MANE Select); coding-DNA position 607, G replaced by A.
Protein change: p.Ala203Thr; replaces alanine 203 with threonine.
Molecular consequence: missense variant.
Genome position (GRCh38, 1-based): chr14:104,703,394, G>A. VCF-style: chr14-104703394-G-A. GRCh37 (hg19) VCF-style: chr14-105169731-G-A.
Other names: c.607G>A, p.Ala203Thr (NM_001031714.4, NM_032714.3); short protein forms A203T.
Identifiers: ClinVar variation 1698961 (VCV001698961.6), dbSNP rs1213058223, ClinGen allele CA391213368.

ClinVar aggregate classification (germline): Uncertain significance. Review status: criteria provided, multiple submitters, no conflicts (2 of 4 stars). 2 submissions from 2 submitters: Uncertain significance (2). Last evaluated 2025-09-22.

Conditions:
Focal segmental glomerulosclerosis (FSGS). Also called: Glomerulosclerosis, focal; Focal sclerosis with hyalinosis. Identifiers: MedGen C0017668, MONDO:0100313, HP:0000097. Disease mechanism: loss of function.
Focal segmental glomerulosclerosis 5 (FSGS5). Identifiers: Orphanet 656, MedGen C2750475, MONDO:0013191, OMIM 613237.

Allele frequency attached by ClinVar (database versions not stated): gnomAD exomes below 0.00001.

Submissions (2):

Victorian Clinical Genetics Services, Murdoch Childrens Research Institute
Classification: Uncertain significance for Focal segmental glomerulosclerosis 5. Last evaluated: 2025-09-22. Review status: criteria provided, single submitter. Criteria: ACMG Guidelines, 2015. Collection method: clinical testing. Allele origin: germline. Affected: yes.
Comment: This variant is classified as VUS-3A. Evidence in support of pathogenic classification: Variant is present in gnomAD <0.001 for a dominant condition (v4: 2 heterozygote(s), 0 homozygote(s)); Another missense variant comparable to the one identified in this case has limited previous evidence for pathogenicity. p.(Ala203Asp) has been reported as pathogenic in a family with FSGS (PMID: 21866090, PMID: 32451589) and functional studies showed that this variant leads to deregulated activation of the protein (PMID: 32444357). It has also been reported as a VUS in ClinVar; Variant is located in the well-established functional diaphanous inhibitory domain. Many pathogenic variants have been reported in this domain, and functional evidence supports that alteration of this region results in a defective protein (PMID: 32451589). Additional information: Variant is predicted to result in a missense amino acid change from Ala to Thr; This variant is heterozygous; This gene is associated with autosomal dominant disease; Alternative amino acid change(s) at the same position are present in gnomAD (Highest alelle count: v4: 1 heterozygote(s), 0 homozygote(s)) ; Previous evidence of pathogenicity for this variant is inconclusive. No published evidence of segregation with disease has been identified for this variant; No published functional evidence has been identified for this variant; Missense variant with inconclusive in silico prediction and uninformative conservation; The mechanism of disease for this gene is not clearly established; The condition associated with this gene has incomplete penetrance (PMID: 32451589); Variants in this gene are known to have variable expressivity. Interfamilial and intrafamilial variability have been reported, where the same variant was observed in individuals with FSGS, or both FSGS and CMT (PMID: 32451589); Inheritance information for this variant is not currently available in this individual.

Genome Diagnostics Laboratory, The Hospital for Sick Children
Classification: Uncertain significance for Focal segmental glomerulosclerosis. Last evaluated: 2019-12-01. Review status: criteria provided, single submitter. Criteria: ACMG Guidelines, 2015. Collection method: clinical testing. Allele origin: germline.

Literature cited by the submitters: PubMed 21866090 (cited by Victorian Clinical Genetics Services, Murdoch Childrens Research Institute); PubMed 32451589 (cited by Victorian Clinical Genetics Services, Murdoch Childrens Research Institute); PubMed 32444357 (cited by Victorian Clinical Genetics Services, Murdoch Childrens Research Institute).